The following is an entry in ClinVar:

NM_173354.5(SIK1):c.1999C>A (p.Pro667Thr)

Gene: SIK1 (salt inducible kinase 1; minus strand). Cytogenetic location: 21q22.3.
Variant type: single nucleotide variant.
Coding change: c.1999C>A on transcript NM_173354.5 (MANE Select); coding-DNA position 1999, C replaced by A.
Protein change: p.Pro667Thr; replaces proline 667 with threonine.
Molecular consequence: missense variant.
Genome position (GRCh38, 1-based): chr21:43,417,095, G>T on the plus strand (C>A on the coding strand, the complement: SIK1 is on the minus strand). VCF-style: chr21-43417095-G-T. GRCh37 (hg19) VCF-style: chr21-44836975-G-T.
Other names: short protein forms P667T.
Identifiers: ClinVar variation 999267 (VCV000999267.7), dbSNP rs892118949, ClinGen allele CA321324556.
Genomic context (GRCh38, chr21:43,417,095, plus strand): 5'-CGATCACAAACGGGGCAGGGGCCGGCTGGGGGGCCTGGGAGCAGCCGGGTGCAGCGGCCG[G>T]GTGGTGCTGTAACTGGAGCAGCCTGTGGGAACAGAGGACAGGTGGTCACTGCGCCGGCTC-3'
Protein context (NP_775490.2, residues 657-677): QQRLLQLQHH[Pro667Thr]AAAPGCSQAP

ClinVar aggregate classification (germline): Uncertain significance (1 of 4 stars; one submission).

Conditions:
Developmental and epileptic encephalopathy, 30 (DEE30). Also called: Epileptic encephalopathy, early infantile, 30. Identifiers: MedGen C4225360, MONDO:0014595, OMIM 616341.

Submission:

Labcorp Genetics (formerly Invitae), Labcorp
Classification: Uncertain significance for Developmental and epileptic encephalopathy, 30. Last evaluated: 2024-10-16. Review status: criteria provided, single submitter. Criteria: Invitae Variant Classification Sherloc (09022015). Collection method: clinical testing. Allele origin: germline.
Comment: This sequence change replaces proline, which is neutral and non-polar, with threonine, which is neutral and polar, at codon 667 of the SIK1 protein (p.Pro667Thr). The frequency data for this variant in the population databases is considered unreliable, as metrics indicate poor data quality at this position in the gnomAD database. This variant has not been reported in the literature in individuals affected with SIK1-related conditions. ClinVar contains an entry for this variant (Variation ID: 999267). Invitae Evidence Modeling of protein sequence and biophysical properties (such as structural, functional, and spatial information, amino acid conservation, physicochemical variation, residue mobility, and thermodynamic stability) indicates that this missense variant is not expected to disrupt SIK1 protein function with a negative predictive value of 95%. In summary, the available evidence is currently insufficient to determine the role of this variant in disease. Therefore, it has been classified as a Variant of Uncertain Significance.